The following is an entry in ClinVar:

ClinVar aggregate classification (germline): Pathogenic (1 of 4 stars; one submission).

Conditions:
Duchenne muscular dystrophy (DMD). Also called: Duchenne Muscular Dystrophy (DMD); MUSCULAR DYSTROPHY, PSEUDOHYPERTROPHIC PROGRESSIVE, DUCHENNE TYPE. Identifiers: Orphanet 98896, MedGen C0013264, MONDO:0010679, OMIM 310200.

Submission:

Labcorp Genetics (formerly Invitae), Labcorp
Classification: Pathogenic for Duchenne muscular dystrophy. Last evaluated: 2021-11-23. Review status: criteria provided, single submitter. Criteria: Invitae Variant Classification Sherloc (09022015). Collection method: clinical testing. Allele origin: germline.
Comment: For these reasons, this variant has been classified as Pathogenic. This variant has not been reported in the literature in individuals affected with DMD-related conditions. This variant is not present in population databases (gnomAD no frequency). This sequence change creates a premature translational stop signal (p.Thr1174Glyfs*2) in the DMD gene. It is expected to result in an absent or disrupted protein product. Loss-of-function variants in DMD are known to be pathogenic (PMID: 16770791, 25007885).

Literature cited by the submitters: PubMed 16770791; PubMed 25007885.

NM_004006.3(DMD):c.3515_3519dup (p.Thr1174delinsGlyTer)

Gene: DMD (dystrophin; minus strand). Cytogenetic location: Xp21.1.
Variant type: Duplication.
Coding change: c.3515_3519dup on transcript NM_004006.3 (MANE Select); coding-DNA positions 3515 to 3519, 5 bases duplicated (GGATG; older notation c.3515_3519dupGGATG).
Protein change: p.Thr1174delinsGlyTer.
Molecular consequence: nonsense.
Genome position (GRCh38, 1-based): chrX:32,454,746-32,454,750, CATCC duplicated on the plus strand (GGATG on the coding strand, the reverse complement: DMD is on the minus strand). VCF-style (leftmost placement, unchanged base first): chrX-32454745-T-TCATCC. GRCh37 (hg19) VCF-style: chrX-32472862-T-TCATCC.
Other names: c.3491_3495dup, p.Thr1166delinsGlyTer (NM_000109.4); c.3503_3507dup, p.Thr1170delinsGlyTer (NM_004009.3); c.3146_3150dup, p.Thr1051delinsGlyTer (NM_004010.3).
Identifiers: ClinVar variation 1453805 (VCV001453805.6), dbSNP rs2148348931, ClinGen allele CA2573158578.
Genomic context (GRCh38, chrX:32,454,745, plus strand): 5'-GTAATTCATCTGGAGTTTTATATTCAAAATCTCTCTCAAGATACTCTTCTTCAGCTTGTG[T>TCATCC]CATCCATTCGTGCATCTCTGATAGATCTTTCTGGAGGCTTACAGTTTTCTCCAAACCTCC-3'